The following is an entry in ClinVar:

ClinVar aggregate classification (germline): Likely benign (1 of 4 stars; one submission).

Allele frequency attached by ClinVar (database versions not stated): gnomAD 0.01334 and 0.01554; TOPMed 0.01812; 1000 Genomes Project 30x 0.03810; 1000 Genomes Project 0.03854.
gnomAD v4.1: 2,351 of 152,232 alleles (1.5%); highest among the groups gnomAD compares: Admixed American, 6.4%; 67 homozygotes.

Submission:

GeneDx
Classification: Likely benign. Last evaluated: 2018-06-15. Review status: criteria provided, single submitter. Criteria: GeneDx Variant Classification (06012015). Collection method: clinical testing. Allele origin: germline. Affected: yes.
Comment: This variant is considered likely benign or benign based on one or more of the following criteria: it is a conservative change, it occurs at a poorly conserved position in the protein, it is predicted to be benign by multiple in silico algorithms, and/or has population frequency not consistent with disease.

NM_006514.4(SCN10A):c.3353-275G>A

Genes: SCN10A (sodium voltage-gated channel alpha subunit 10; minus strand), LOC110121288 (VISTA enhancer hs2268; plus strand). Cytogenetic location: 3p22.2.
Variant type: single nucleotide variant.
Coding change: c.3353-275G>A on transcript NM_006514.4 (MANE Select); 275 bases into the intron before coding-DNA position 3353, G replaced by A.
Molecular consequence: intron variant.
Genome position (GRCh38, 1-based): chr3:38,722,687, C>T on the plus strand (G>A on the coding strand, the complement: SCN10A is on the minus strand). VCF-style: chr3-38722687-C-T. GRCh37 (hg19) VCF-style: chr3-38764178-C-T.
Other names: c.3059-275G>A (NM_001293307.2); c.3350-275G>A (NM_001293306.2).
Identifiers: ClinVar variation 673335 (VCV000673335.1), dbSNP rs74348091, ClinGen allele CA72957998.
Genomic context (GRCh38, chr3:38,722,687, plus strand): 5'-CTGATGTTTTTCCTAGCCATATCCTTCTTACAGATGACACCAGTGGTCCCTGTCCTTCTG[C>T]CCACCTATACCTGGAAAACAGACAAGCTACGGCGTATGAGCCTGGGGGTGCCTGAGGGGG-3'